The following is an entry in ClinVar:

NM_001206927.2(DNAH8):c.1856dup (p.Asn619fs)

Gene: DNAH8 (dynein axonemal heavy chain 8; plus strand). Cytogenetic location: 6p21.2.
Variant type: Duplication.
Coding change: c.1856dup on transcript NM_001206927.2 (MANE Select); coding-DNA position 1856, one base duplicated (A; older notation c.1856dupA).
Protein change: p.Asn619fs; shifts the reading frame from asparagine 619.
Molecular consequence: frameshift variant.
Genome position (GRCh38, 1-based): chr6:38,775,845, A duplicated; the last of 3 consecutive A bases (chr6:38,775,843-38,775,845); duplicating any one gives the same sequence. VCF-style (leftmost placement, unchanged base first): chr6-38775842-G-GA. GRCh37 (hg19) VCF-style: chr6-38743618-G-GA.
Other names: c.1205dup, p.Asn402fs (NM_001371.4); short protein forms N402fs, N619fs.
Identifiers: ClinVar variation 2891954 (VCV002891954.3), dbSNP rs752991804, ClinGen allele CA3788337.
Genomic context (GRCh38, chr6:38,775,842, plus strand): 5'-CATATTCAACCTTGAGTAATTCTACCATAGAAGGAATAGATATTATGGCAATAAAATTCA[G>GA]AAATATATACCAAGGGGTTAAGAAAAAGCAATATGACATTCTGGATCCAAGAAGGACAGA-3'

ClinVar aggregate classification (germline): Pathogenic (1 of 4 stars; one submission).

Conditions:
Primary ciliary dyskinesia. Also called: Ciliary dyskinesia. Identifiers: Orphanet 244, MedGen C0008780, MONDO:0016575, HP:0012265.

Submission:

Labcorp Genetics (formerly Invitae), Labcorp
Classification: Pathogenic for Primary ciliary dyskinesia. Last evaluated: 2022-11-10. Review status: criteria provided, single submitter. Criteria: Invitae Variant Classification Sherloc (09022015). Collection method: clinical testing. Allele origin: germline.
Comment: This sequence change creates a premature translational stop signal (p.Asn619Lysfs*7) in the DNAH8 gene. It is expected to result in an absent or disrupted protein product. Loss-of-function variants in DNAH8 are known to be pathogenic (PMID: 24307375, 32619401, 32681648). This variant is present in population databases (rs752991804, gnomAD 0.009%). This variant has not been reported in the literature in individuals affected with DNAH8-related conditions. For these reasons, this variant has been classified as Pathogenic.

Literature cited by the submitters: PubMed 24307375; PubMed 32619401; PubMed 32681648.